The following is an entry in ClinVar:

ClinVar aggregate classification (germline): Uncertain significance. Review status: criteria provided, multiple submitters, no conflicts (2 of 4 stars). 2 submissions from 2 submitters: Uncertain significance (2). Last evaluated 2026-10-19.

Conditions:
Brown-Vialetto-van Laere syndrome 1. Also called: BROWN-VIALETTO-VAN LAERE SYNDROME 1, MILD; BULBAR PALSY, PROGRESSIVE, WITH SENSORINEURAL DEAFNESS; PONTOBULBAR PALSY WITH DEAFNESS. Identifiers: Orphanet 572550, Orphanet 97229, MedGen C0796274, MONDO:0024537, OMIM 211530.

Allele frequency attached by ClinVar (database versions not stated): gnomAD exomes 0.00001; ExAC 0.00002; gnomAD 0.00003; TOPMed 0.00003; ESP Exome Variant Server 0.00008.
gnomAD v4.1: 20 of 1,614,016 alleles (0.0012%); highest among the groups gnomAD compares: South Asian, 0.0066%; no homozygotes.

Submissions (2):

GeneDx
Classification: Uncertain significance. Last evaluated: 2026-10-19. Review status: criteria provided, single submitter. Criteria: GeneDx Variant Classification Process June 2021. Collection method: clinical testing. Allele origin: germline.
Comment: Not observed at significant frequency in large population cohorts (gnomAD); In silico analysis supports that this missense variant has a deleterious effect on protein structure/function; Has not been previously published as pathogenic or benign to our knowledge

Labcorp Genetics (formerly Invitae), Labcorp
Classification: Uncertain significance for Brown-Vialetto-van Laere syndrome 1. Last evaluated: 2023-05-22. Review status: criteria provided, single submitter. Criteria: Invitae Variant Classification Sherloc (09022015). Collection method: clinical testing. Allele origin: germline.
Comment: In summary, the available evidence is currently insufficient to determine the role of this variant in disease. Therefore, it has been classified as a Variant of Uncertain Significance. Advanced modeling of protein sequence and biophysical properties (such as structural, functional, and spatial information, amino acid conservation, physicochemical variation, residue mobility, and thermodynamic stability) performed at Invitae indicates that this missense variant is not expected to disrupt SLC52A3 protein function. ClinVar contains an entry for this variant (Variation ID: 2173111). This variant has not been reported in the literature in individuals affected with SLC52A3-related conditions. This variant is present in population databases (rs374661714, gnomAD 0.01%). This sequence change replaces alanine, which is neutral and non-polar, with threonine, which is neutral and polar, at codon 312 of the SLC52A3 protein (p.Ala312Thr).

NM_033409.4(SLC52A3):c.934G>A (p.Ala312Thr)

Gene: SLC52A3 (solute carrier family 52 member 3; minus strand). Cytogenetic location: 20p13.
Variant type: single nucleotide variant.
Coding change: c.934G>A on transcript NM_033409.4 (MANE Select); coding-DNA position 934, G replaced by A.
Protein change: p.Ala312Thr; replaces alanine 312 with threonine.
Molecular consequence: missense variant.
Genome position (GRCh38, 1-based): chr20:763,637, C>T on the plus strand (G>A on the coding strand, the complement: SLC52A3 is on the minus strand). VCF-style: chr20-763637-C-T. GRCh37 (hg19) VCF-style: chr20-744281-C-T.
Other names: c.934G>A, p.Ala312Thr (NM_001370085.1, NM_001370086.1); c.934G>A (NM_033409.3); short protein forms A312T.
Identifiers: ClinVar variation 2173111 (VCV002173111.6), dbSNP rs374661714, ClinGen allele CA9724646.